The following is an entry in ClinVar:

NM_003673.4(TCAP):c.184C>T (p.Gln62Ter)

Gene: TCAP (titin-cap; plus strand). Cytogenetic location: 17q12.
Variant type: single nucleotide variant.
Coding change: c.184C>T on transcript NM_003673.4 (MANE Select); coding-DNA position 184, C replaced by T.
Protein change: p.Gln62Ter; replaces glutamine 62 with a stop codon.
Molecular consequence: nonsense.
Genome position (GRCh38, 1-based): chr17:39,665,789, C>T. VCF-style: chr17-39665789-C-T. GRCh37 (hg19) VCF-style: chr17-37822042-C-T.
Other names: short protein forms Q62*.
Identifiers: ClinVar variation 2573509 (VCV002573509.1), dbSNP rs2543739093, ClinGen allele CA399303960.

ClinVar aggregate classification (germline): Uncertain significance (1 of 4 stars; one submission).

Submission:

Women's Health and Genetics/Laboratory Corporation of America, LabCorp
Classification: Uncertain significance. Last evaluated: 2023-06-26. Review status: criteria provided, single submitter. Criteria: LabCorp Variant Classification Summary - May 2015. Collection method: clinical testing. Allele origin: germline.
Comment: Variant summary: TCAP c.184C>T (p.Gln62X) results in a premature termination codon and predicted to cause a truncation of the encoded protein, which is a commonly known mechanism for disease. Although the variant is not predicted to cause absence of the protein through nonsense mediated decay, the variant is predicted to disrupt the last 106 amino acids in the protein sequence. The variant was absent in 239756 control chromosomes (gnomAD). The available data on variant occurrences in the general population are insufficient to allow any conclusion about variant significance. To our knowledge, no occurrence of c.184C>T in individuals affected with Cardiomyopathy and no experimental evidence demonstrating its impact on protein function have been reported. No submitters have cited clinical-significance assessments for this variant to ClinVar after 2014. Based on the evidence outlined above, the variant was classified as uncertain significance.